The following is an entry in ClinVar:

NM_000053.4(ATP7B):c.2426G>A (p.Gly809Asp)

Gene: ATP7B (ATPase copper transporting beta; minus strand). Cytogenetic location: 13q14.3.
Variant type: single nucleotide variant.
Coding change: c.2426G>A on transcript NM_000053.4 (MANE Select); coding-DNA position 2426, G replaced by A.
Protein change: p.Gly809Asp; replaces glycine 809 with aspartic acid.
Molecular consequence: missense variant.
Genome position (GRCh38, 1-based): chr13:51,957,537, C>T on the plus strand (G>A on the coding strand, the complement: ATP7B is on the minus strand). VCF-style: chr13-51957537-C-T. GRCh37 (hg19) VCF-style: chr13-52531673-C-T.
Other names: c.2426G>A, p.Gly809Asp (NM_001406515.1, NM_001406516.1, NM_001406519.1 and 7 more transcripts); c.2330G>A, p.Gly777Asp (NM_001406517.1, NM_001406518.1); c.2282G>A, p.Gly761Asp (NM_001406520.1, NM_001406521.1, NM_001406522.1 and 1 more transcripts); c.2249G>A, p.Gly750Asp (NM_001406524.1); c.2096G>A, p.Gly699Asp (NM_001406536.1); c.2192G>A, p.Gly731Asp (NM_001406538.1, NM_001330578.2, NM_001406527.1 and 2 more transcripts); c.1997G>A, p.Gly666Asp (NM_001406539.1); c.2174G>A, p.Gly725Asp (NM_001406540.1, NM_001330579.2, NM_001406531.1 and 1 more transcripts); and 7 more; short protein forms G593D, G615D, G666D, G725D, G761D, G798D, G698D, G731D.
Identifiers: ClinVar variation 2159794 (VCV002159794.2), dbSNP rs762578415, ClinGen allele CA6989031.
Genomic context (GRCh38, chr13:51,957,537, plus strand): 5'-AGATACCAACCACAAAGACATTTGATAACCATAACTCACCTGATGATTAAATTGTCCTCA[C>T]CAAGGGTCACAACGGTGGCTTCTGTGGCTTGGAGAGACATGAGTTTAGCCAGGGCTTCTG-3'
Protein context (NP_000044.2, residues 799-819): QATEATVVTL[Gly809Asp]EDNLIIREEQ

ClinVar aggregate classification (germline): Uncertain significance (1 of 4 stars; one submission).

Conditions:
Wilson disease (WND). Also called: Wilson's disease. Identifiers: Orphanet 905, MedGen C0019202, MONDO:0010200, OMIM 277900. Disease mechanism: loss of function.

Allele frequency attached by ClinVar (database versions not stated): ExAC 0.00001; gnomAD exomes 0.00001.
gnomAD v4.1: 5 of 1,614,138 alleles (0.00031%); highest among the groups gnomAD compares: South Asian, 0.0055%; no homozygotes.

Submission:

Labcorp Genetics (formerly Invitae), Labcorp
Classification: Uncertain significance for Wilson disease. Last evaluated: 2025-08-21. Review status: criteria provided, single submitter. Criteria: Invitae Variant Classification Sherloc (09022015). Collection method: clinical testing. Allele origin: germline.
Comment: This sequence change replaces glycine, which is neutral and non-polar, with aspartic acid, which is acidic and polar, at codon 809 of the ATP7B protein (p.Gly809Asp). This variant is present in population databases (rs762578415, gnomAD 0.01%). This variant has not been reported in the literature in individuals affected with ATP7B-related conditions. ClinVar contains an entry for this variant (Variation ID: 2159794). Invitae Evidence Modeling of protein sequence and biophysical properties (such as structural, functional, and spatial information, amino acid conservation, physicochemical variation, residue mobility, and thermodynamic stability) has been performed for this missense variant. However, the output from this modeling did not meet the statistical confidence thresholds required to predict the impact of this variant on ATP7B protein function. In summary, the available evidence is currently insufficient to determine the role of this variant in disease. Therefore, it has been classified as a Variant of Uncertain Significance.